The following is an entry in ClinVar:

NM_001142800.2(EYS):c.5453C>T (p.Pro1818Leu)

Gene: EYS (EGF-like photoreceptor maintenance factor; minus strand). Cytogenetic location: 6q12.
Variant type: single nucleotide variant.
Coding change: c.5453C>T on transcript NM_001142800.2 (MANE Select); coding-DNA position 5453, C replaced by T.
Protein change: p.Pro1818Leu; replaces proline 1818 with leucine.
Molecular consequence: missense variant.
Genome position (GRCh38, 1-based): chr6:64,590,414, G>A on the plus strand (C>T on the coding strand, the complement: EYS is on the minus strand). VCF-style: chr6-64590414-G-A. GRCh37 (hg19) VCF-style: chr6-65300307-G-A.
Other names: c.5453C>T, p.Pro1818Leu (NM_001292009.2); short protein forms P1818L.
Identifiers: ClinVar variation 1060151 (VCV001060151.9), dbSNP rs2149831083, ClinGen allele CA364781077.
Genomic context (GRCh38, chr6:64,590,414, plus strand): 5'-GACCATTCTGAAGAAGTCTTGACCTCTTTTTTAAGAGAGGTCATATAATCTGTAAAATAT[G>A]GCCAATCTGGCCTAATTACAGACATGGAGGAAGACGTCTGTATTGAAAGTGCTGGAGTTG-3'
Protein context (NP_001136272.1, residues 1808-1828): SSMSVIRPDW[Pro1818Leu]YFTDYMTSLK

ClinVar aggregate classification (germline): Uncertain significance (1 of 4 stars; one submission).

gnomAD v4.1: 1 of 1,551,306 alleles (0.000064%); highest among the groups gnomAD compares: East Asian, 0.0024%; no homozygotes.

Submission:

Labcorp Genetics (formerly Invitae), Labcorp
Classification: Uncertain significance. Last evaluated: 2022-08-31. Review status: criteria provided, single submitter. Criteria: Invitae Variant Classification Sherloc (09022015). Collection method: clinical testing. Allele origin: germline.
Comment: In summary, the available evidence is currently insufficient to determine the role of this variant in disease. Therefore, it has been classified as a Variant of Uncertain Significance. Algorithms developed to predict the effect of missense changes on protein structure and function output the following: SIFT: "Tolerated"; PolyPhen-2: "Benign"; Align-GVGD: "Class C0". The leucine amino acid residue is found in multiple mammalian species, which suggests that this missense change does not adversely affect protein function. ClinVar contains an entry for this variant (Variation ID: 1060151). This variant has not been reported in the literature in individuals affected with EYS-related conditions. This variant is not present in population databases (gnomAD no frequency). This sequence change replaces proline, which is neutral and non-polar, with leucine, which is neutral and non-polar, at codon 1818 of the EYS protein (p.Pro1818Leu).